The following is an entry in ClinVar:

ClinVar aggregate classification (germline): Likely benign. Review status: criteria provided, multiple submitters, no conflicts (2 of 4 stars). 2 submissions from 2 submitters: Likely benign (2). Last evaluated 2023-08-03.

Conditions:
Early-infantile DEE. Also called: Early infantile epileptic encephalopathy with suppression bursts; Early infantile epileptic encephalopathy; Ohtahara syndrome. Identifiers: Orphanet 1934, MedGen C0393706, MONDO:0800491.

Allele frequency attached by ClinVar (database versions not stated): gnomAD exomes below 0.00001; ExAC 0.00001.

Submissions (2):

Labcorp Genetics (formerly Invitae), Labcorp
Classification: Likely benign for Early-infantile DEE. Last evaluated: 2023-08-03. Review status: criteria provided, single submitter. Criteria: Invitae Variant Classification Sherloc (09022015). Collection method: clinical testing. Allele origin: germline.

GeneDx
Classification: Likely benign. Last evaluated: 2016-03-01. Review status: criteria provided, single submitter. Criteria: GeneDx Variant Classification (06012015). Collection method: clinical testing. Allele origin: germline. Affected: yes.
Comment: This variant is considered likely benign or benign based on one or more of the following criteria: it is a conservative change, it occurs at a poorly conserved position in the protein, it is predicted to be benign by multiple in silico algorithms, and/or has population frequency not consistent with disease.

NM_001165963.4(SCN1A):c.5127C>A (p.Thr1709=)

Genes: SCN1A (sodium voltage-gated channel alpha subunit 1; minus strand), LOC102724058 (uncharacterized LOC102724058; plus strand). Cytogenetic location: 2q24.3.
Variant type: single nucleotide variant.
Coding change: c.5127C>A on transcript NM_001165963.4 (MANE Select); coding-DNA position 5127, C replaced by A.
Protein change: p.Thr1709=; no amino-acid change (threonine 1709 retained).
Molecular consequence: synonymous variant. On other transcripts: non-coding transcript variant (1).
Genome position (GRCh38, 1-based): chr2:165,992,148, G>T on the plus strand (C>A on the coding strand, the complement: SCN1A is on the minus strand). VCF-style: chr2-165992148-G-T. GRCh37 (hg19) VCF-style: chr2-166848658-G-T.
Other names: c.5043C>A, p.Thr1681= (NM_001165964.3, NM_001353957.2, NM_001353958.2); c.5127C>A, p.Thr1709= (NM_001202435.3, NM_001353948.2); c.5094C>A, p.Thr1698= (NM_001353949.2, NM_001353950.2, NM_001353951.2 and 2 more transcripts); c.5091C>A, p.Thr1697= (NM_001353954.2, NM_001353955.2); c.5040C>A, p.Thr1680= (NM_001353960.2); c.2685C>A, p.Thr895= (NM_001353961.2).
Identifiers: ClinVar variation 383894 (VCV000383894.4), dbSNP rs777044331, ClinGen allele CA1942690.